The following is an entry in ClinVar:

NM_004725.4(BUB3):c.47G>T (p.Gly16Val)

Gene: BUB3 (BUB3 mitotic checkpoint protein; plus strand). Cytogenetic location: 10q26.13.
Variant type: single nucleotide variant.
Coding change: c.47G>T on transcript NM_004725.4 (MANE Select); coding-DNA position 47, G replaced by T.
Protein change: p.Gly16Val; replaces glycine 16 with valine.
Molecular consequence: missense variant.
Genome position (GRCh38, 1-based): chr10:123,154,964, G>T. VCF-style: chr10-123154964-G-T. GRCh37 (hg19) VCF-style: chr10-124914480-G-T.
Other names: c.47G>T, p.Gly16Val (NM_001007793.3); short protein forms G16V.
Identifiers: ClinVar variation 2625367 (VCV002625367.2), dbSNP rs1844328908, ClinGen allele CA378624833.

ClinVar aggregate classification (germline): Uncertain significance (1 of 4 stars; one submission).

Submission:

Ambry Genetics
Classification: Uncertain significance. Last evaluated: 2023-07-06. Review status: criteria provided, single submitter. Criteria: Ambry Variant Classification Scheme 2023. Collection method: clinical testing. Allele origin: germline.
Comment: The p.G16V variant (also known as c.47G>T), located in coding exon 1 of the BUB3 gene, results from a G to T substitution at nucleotide position 47. The glycine at codon 16 is replaced by valine, an amino acid with dissimilar properties. This amino acid position is conserved. In addition, this alteration is predicted to be tolerated by in silico analysis. Since supporting evidence is limited at this time, the clinical significance of this alteration remains unclear.